The following is an entry in ClinVar:

NM_001626.6(AKT2):c.486C>T (p.Thr162=)

Gene: AKT2 (AKT serine/threonine kinase 2; minus strand). Cytogenetic location: 19q13.2.
Variant type: single nucleotide variant.
Coding change: c.486C>T on transcript NM_001626.6 (MANE Select); coding-DNA position 486, C replaced by T.
Protein change: p.Thr162=; no amino-acid change (threonine 162 retained).
Molecular consequence: synonymous variant.
Genome position (GRCh38, 1-based): chr19:40,242,025, G>A on the plus strand (C>T on the coding strand, the complement: AKT2 is on the minus strand). VCF-style: chr19-40242025-G-A. GRCh37 (hg19) VCF-style: chr19-40747932-G-A.
Other names: c.300C>T, p.Thr100= (NM_001243027.3, NM_001243028.3); c.486C>T, p.Thr162= (NM_001330511.1).
Identifiers: ClinVar variation 3061736 (VCV003061736.2), dbSNP rs1048317051, ClinGen allele CA507484216.

ClinVar aggregate classification (germline): Likely benign (0 of 4 stars; one submission).

Conditions:
AKT2-related disorder. Also called: AKT2-related condition.

Allele frequency attached by ClinVar (database versions not stated): TOPMed 0.00001.
gnomAD v4.1: 5 of 1,614,248 alleles (0.00031%); highest among the groups gnomAD compares: South Asian, 0.0011%; no homozygotes.

Submission:

PreventionGenetics, part of Exact Sciences
Classification: Likely benign for AKT2-related condition. Last evaluated: 2022-02-08. Review status: no assertion criteria provided. Collection method: clinical testing. Allele origin: germline.
Comment: This variant is classified as likely benign based on ACMG/AMP sequence variant interpretation guidelines (Richards et al. 2015 PMID: 25741868, with internal and published modifications).